The following is an entry in ClinVar:

NM_021975.4(RELA):c.513G>T (p.Arg171Ser)

Gene: RELA (RELA proto-oncogene, NF-kB subunit; minus strand). Cytogenetic location: 11q13.1.
Variant type: single nucleotide variant.
Coding change: c.513G>T on transcript NM_021975.4 (MANE Select); coding-DNA position 513, G replaced by T.
Protein change: p.Arg171Ser; replaces arginine 171 with serine.
Molecular consequence: missense variant.
Genome position (GRCh38, 1-based): chr11:65,659,712, C>A on the plus strand (G>T on the coding strand, the complement: RELA is on the minus strand). VCF-style: chr11-65659712-C-A. GRCh37 (hg19) VCF-style: chr11-65427183-C-A.
Other names: c.513G>T, p.Arg171Ser (NM_001243985.2, NM_001404659.1, NM_001404660.1 and 1 more transcripts); c.546G>T, p.Arg182Ser (NM_001404657.1); c.486G>T, p.Arg162Ser (NM_001404658.1); c.132G>T, p.Arg44Ser (NM_001404661.1); c.420G>T, p.Arg140Ser (NM_001404662.1, NM_001404663.1); c.504G>T, p.Arg168Ser (NM_001145138.2); short protein forms R140S, R162S, R171S, R168S, R182S, R44S.
Identifiers: ClinVar variation 2838252 (VCV002838252.3), dbSNP rs746111744, ClinGen allele CA6106866.

ClinVar aggregate classification (germline): Uncertain significance (1 of 4 stars; one submission).

Allele frequency attached by ClinVar (database versions not stated): TOPMed below 0.00001; ExAC 0.00001; gnomAD 0.00001.
gnomAD v4.1: 24 of 1,613,806 alleles (0.0015%); highest among the groups gnomAD compares: Non-Finnish European, 0.0019%; no homozygotes.

Submission:

Labcorp Genetics (formerly Invitae), Labcorp
Classification: Uncertain significance. Last evaluated: 2023-02-16. Review status: criteria provided, single submitter. Criteria: Invitae Variant Classification Sherloc (09022015). Collection method: clinical testing. Allele origin: germline.
Comment: In summary, the available evidence is currently insufficient to determine the role of this variant in disease. Therefore, it has been classified as a Variant of Uncertain Significance. An algorithm developed to predict the effect of missense changes on protein structure and function (PolyPhen-2) suggests that this variant is likely to be tolerated. This missense change has been observed in individual(s) with clinical features of RELA-related conditions (PMID: 34975878). This variant is present in population databases (rs746111744, gnomAD 0.008%). This sequence change replaces arginine, which is basic and polar, with serine, which is neutral and polar, at codon 171 of the RELA protein (p.Arg171Ser).

Literature cited by the submitters: PubMed 34975878.